The following is an entry in ClinVar:

ClinVar aggregate classification (germline): Likely benign. Review status: criteria provided, multiple submitters, no conflicts (2 of 4 stars). 3 submissions from 3 submitters: Likely benign (3). Last evaluated 2024-12-26.

Conditions:
BBS2-related disorder. Also called: BBS2-related condition; BBS2-related disorders. Identifiers: MedGen CN239228.
Bardet-Biedl syndrome (BBS). Identifiers: Orphanet 110, MedGen C0752166, MONDO:0015229.

Allele frequency attached by ClinVar (database versions not stated): gnomAD 0.00001; ESP Exome Variant Server 0.00008.
gnomAD v4.1: 12 of 1,613,718 alleles (0.00074%); highest among the groups gnomAD compares: African/African-American, 0.004%; no homozygotes.

Submissions (3):

PreventionGenetics, part of Exact Sciences
Classification: Likely benign for BBS2-related condition. Last evaluated: 2024-12-26. Review status: criteria provided, single submitter. Criteria: ACMG Guidelines, 2015. Collection method: clinical testing. Allele origin: germline.
Comment: This variant is classified as likely benign based on ACMG/AMP sequence variant interpretation guidelines (Richards et al. 2015 PMID: 25741868, with internal and published modifications).

Labcorp Genetics (formerly Invitae), Labcorp
Classification: Likely benign for Bardet-Biedl syndrome. Last evaluated: 2024-01-29. Review status: criteria provided, single submitter. Criteria: Invitae Variant Classification Sherloc (09022015). Collection method: clinical testing. Allele origin: germline.

Blueprint Genetics
Classification: Likely benign. Last evaluated: 2023-10-16. Review status: criteria provided, single submitter. Criteria: ACMG Guidelines, 2015. Collection method: clinical testing. Allele origin: germline.

NM_031885.5(BBS2):c.1542C>T (p.Leu514=)

Gene: BBS2 (Bardet-Biedl syndrome 2; minus strand). Cytogenetic location: 16q13.
Variant type: single nucleotide variant.
Coding change: c.1542C>T on transcript NM_031885.5 (MANE Select); coding-DNA position 1542, C replaced by T.
Protein change: p.Leu514=; no amino-acid change (leucine 514 retained).
Molecular consequence: synonymous variant. On other transcripts: non-coding transcript variant (5).
Genome position (GRCh38, 1-based): chr16:56,498,554, G>A on the plus strand (C>T on the coding strand, the complement: BBS2 is on the minus strand). VCF-style: chr16-56498554-G-A. GRCh37 (hg19) VCF-style: chr16-56532466-G-A.
Other names: c.1542C>T (NM_031885.3); c.1542C>T, p.Leu514= (NM_001377456.1).
Identifiers: ClinVar variation 1126312 (VCV001126312.11), dbSNP rs374156464, ClinGen allele CA8065677.